The following is an entry in ClinVar:

ClinVar aggregate classification (germline): Benign. Review status: criteria provided, multiple submitters, no conflicts (2 of 4 stars). 5 submissions from 5 submitters: Benign (5). Last evaluated 2026-02-02.

Conditions:
Primary dilated cardiomyopathy (DCM). Also called: Dilated Cardiomyopathy. Identifiers: Orphanet 217604, MedGen C0007193, MeSH D002311, MONDO:0005021, HP:0001644. Inheritance: Various modes of inheritance.
Systolic heart failure. Identifiers: MedGen C1135191, MONDO:0006993.
Left ventricular noncompaction 1 (LVNC1). Also called: LEFT VENTRICULAR NONCOMPACTION 1 WITH OR WITHOUT CONGENITAL HEART DEFECTS. Identifiers: Orphanet 54260, MedGen C1858725, MONDO:0011403, OMIM 604169.

Allele frequency attached by ClinVar (database versions not stated): gnomAD 0.00558 and 0.00593; TOPMed 0.00623; gnomAD exomes 0.00050 and 0.00147; ExAC 0.00192; ESP Exome Variant Server 0.00669; 1000 Genomes Project 30x 0.00781; 1000 Genomes Project 0.00619.
gnomAD v4.1: 1,617 of 1,613,964 alleles (0.1%); highest among the groups gnomAD compares: African/African-American, 1.9%; 14 homozygotes.

Submissions (5):

Labcorp Genetics (formerly Invitae), Labcorp
Classification: Benign for Left ventricular noncompaction 1. Last evaluated: 2026-02-02. Review status: criteria provided, single submitter. Criteria: Invitae Variant Classification Sherloc (09022015). Collection method: clinical testing. Allele origin: germline.

Center for Advanced Laboratory Medicine, UC San Diego Health, University of California San Diego
Classification: Benign for Dilated cardiomyopathy; Heart failure, systolic. Last evaluated: 2019-05-08. Review status: criteria provided, single submitter. Criteria: ACMG Guidelines, 2015. Collection method: clinical testing. Allele origin: germline. Affected: yes. Observed: 2 variant alleles.

GeneDx
Classification: Benign. Last evaluated: 2014-04-24. Review status: criteria provided, single submitter. Criteria: GeneDx Variant Classification (06012015). Collection method: clinical testing. Allele origin: germline. Affected: yes.
Comment: This variant is considered likely benign or benign based on one or more of the following criteria: it is a conservative change, it occurs at a poorly conserved position in the protein, it is predicted to be benign by multiple in silico algorithms, and/or has population frequency not consistent with disease.

Laboratory for Molecular Medicine, Mass General Brigham Personalized Medicine
Classification: Benign. Last evaluated: 2012-04-17. Review status: criteria provided, single submitter. Criteria: LMM Criteria. Collection method: clinical testing. Allele origin: germline. Observed: 8 variant alleles.
Comment: Pro396Thr in Exon 14 of DTNA: This variant is not expected to have clinical sign ificance because it has been identified in 1.9% (72/3738) of African American ch romosomes from a broad population by the NHLBI Exome Sequencing Project (dbSNP rs77320474).

Breakthrough Genomics
Classification: Benign. Review status: criteria provided, single submitter. Criteria: ACMG Guidelines, 2015. Collection method: not provided. Allele origin: germline. Inheritance: Autosomal dominant inheritance. Affected: yes.

NM_001386795.1(DTNA):c.1438C>A (p.Pro480Thr)

Gene: DTNA (dystrobrevin alpha; plus strand). Cytogenetic location: 18q12.1.
Variant type: single nucleotide variant.
Coding change: c.1438C>A on transcript NM_001386795.1 (MANE Select); coding-DNA position 1438, C replaced by A.
Protein change: p.Pro480Thr; replaces proline 480 with threonine.
Molecular consequence: missense variant.
Genome position (GRCh38, 1-based): chr18:34,851,834, C>A. VCF-style: chr18-34851834-C-A. GRCh37 (hg19) VCF-style: chr18-32431798-C-A.
Other names: p.P450T:CCA>ACA; c.1177C>A, p.Pro393Thr (NM_001386763.1, NM_001386764.1, NM_001386765.1 and 9 more transcripts); c.1174C>A, p.Pro392Thr (NM_001386768.1, NM_001386769.1, NM_001386773.1 and 1 more transcripts); c.1267C>A, p.Pro423Thr (NM_001386770.1, NM_001386754.1, NM_001386755.1 and 4 more transcripts); c.301C>A, p.Pro101Thr (NM_032980.4); c.223C>A, p.Pro75Thr (NM_032981.5); c.484C>A, p.Pro162Thr (NM_001198942.1); c.427C>A, p.Pro143Thr (NM_001198943.1); and 8 more; short protein forms P396T, P453T, P450T, P101T, P105T, P143T, P393T, P162T.
Identifiers: ClinVar variation 46411 (VCV000046411.17), dbSNP rs77320474, ClinGen allele CA138283.